The following is an entry in ClinVar:

ClinVar aggregate classification (germline): Likely benign. Review status: criteria provided, single submitter (1 of 4 stars). 2 submissions from 2 submitters: Likely benign (1). 1 of the submissions does not count toward it. Last evaluated 2023-03-07.

Conditions:
Peroxisome biogenesis disorder 2B (PBD2B). Identifiers: Orphanet 44, MedGen C3550234, MONDO:0008736, OMIM 202370.
PEX5-related disorder. Also called: PEX5-related condition; PEX5-Related Disorders.

Allele frequency attached by ClinVar (database versions not stated): TOPMed below 0.00001.

Submissions (2):

Labcorp Genetics (formerly Invitae), Labcorp
Classification: Likely benign for Peroxisome biogenesis disorder 2B. Last evaluated: 2023-03-07. Review status: criteria provided, single submitter. Criteria: Invitae Variant Classification Sherloc (09022015). Collection method: clinical testing. Allele origin: germline.

PreventionGenetics, part of Exact Sciences
Classification: Likely benign for PEX5-related condition. Last evaluated: 2019-09-04. Review status: no assertion criteria provided. Collection method: clinical testing. Allele origin: germline. Not counted in ClinVar's aggregate classification.
Comment: This variant is classified as likely benign based on ACMG/AMP sequence variant interpretation guidelines (Richards et al. 2015 PMID: 25741868, with internal and published modifications).

NM_001351132.2(PEX5):c.1809C>T (p.Ile603=)

Gene: PEX5 (peroxisomal biogenesis factor 5; plus strand). Cytogenetic location: 12p13.31.
Variant type: single nucleotide variant.
Coding change: c.1809C>T on transcript NM_001351132.2 (MANE Select); coding-DNA position 1809, C replaced by T.
Protein change: p.Ile603=; no amino-acid change (isoleucine 603 retained).
Molecular consequence: synonymous variant.
Genome position (GRCh38, 1-based): chr12:7,210,112, C>T. VCF-style: chr12-7210112-C-T. GRCh37 (hg19) VCF-style: chr12-7362708-C-T.
Other names: c.1785C>T, p.Ile595= (NM_000319.5); c.1854C>T, p.Ile618= (NM_001131023.2); c.1698C>T, p.Ile566= (NM_001131024.2, NM_001351124.3, NM_001351126.2 and 7 more transcripts); c.1809C>T, p.Ile603= (NM_001131025.2, NM_001131026.2, NM_001300789.3 and 4 more transcripts); c.1743C>T, p.Ile581= (NM_001351135.3, NM_001351138.2); c.1800C>T, p.Ile600= (NM_001351136.2); c.1674C>T, p.Ile558= (NM_001351139.2, NM_001351140.2, NM_001374649.2); c.1809C>T (NM_001131025.1).
Identifiers: ClinVar variation 2896507 (VCV002896507.5), dbSNP rs1374220212, ClinGen allele CA478523615.